The following is an entry in ClinVar:

NM_002350.4(LYN):c.1000G>C (p.Asp334His)

Gene: LYN (LYN proto-oncogene, Src family tyrosine kinase; plus strand). Cytogenetic location: 8q12.1.
Variant type: single nucleotide variant.
Coding change: c.1000G>C on transcript NM_002350.4 (MANE Select); coding-DNA position 1000, G replaced by C.
Protein change: p.Asp334His; replaces aspartic acid 334 with histidine.
Molecular consequence: missense variant.
Genome position (GRCh38, 1-based): chr8:55,969,743, G>C. VCF-style: chr8-55969743-G-C. GRCh37 (hg19) VCF-style: chr8-56882302-G-C.
Other names: c.937G>C, p.Asp313His (NM_001111097.3); short protein forms D313H, D334H.
Identifiers: ClinVar variation 4776515 (VCV004776515.1).

ClinVar aggregate classification (germline): Uncertain significance (1 of 4 stars; one submission).

Submission:

Labcorp Genetics (formerly Invitae), Labcorp
Classification: Uncertain significance. Last evaluated: 2025-03-12. Review status: criteria provided, single submitter. Criteria: Invitae Variant Classification Sherloc (09022015). Collection method: clinical testing. Allele origin: germline.
Comment: This sequence change replaces aspartic acid, which is acidic and polar, with histidine, which is basic and polar, at codon 334 of the LYN protein (p.Asp334His). This variant is not present in population databases (gnomAD no frequency). This variant has not been reported in the literature in individuals affected with LYN-related conditions. An algorithm developed to predict the effect of missense changes on protein structure and function (PolyPhen-2) suggests that this variant is likely to be disruptive. In summary, the available evidence is currently insufficient to determine the role of this variant in disease. Therefore, it has been classified as a Variant of Uncertain Significance.